The following is an entry in ClinVar:

ClinVar aggregate classification (germline): Uncertain significance (1 of 4 stars; one submission).

gnomAD v4.1: 10 of 1,603,578 alleles (0.00062%); highest among the groups gnomAD compares: Middle Eastern, 0.017%; no homozygotes.

Submission:

Labcorp Genetics (formerly Invitae), Labcorp
Classification: Uncertain significance. Last evaluated: 2023-07-07. Review status: criteria provided, single submitter. Criteria: Invitae Variant Classification Sherloc (09022015). Collection method: clinical testing. Allele origin: germline.
Comment: This variant has not been reported in the literature in individuals affected with USH1G-related conditions. This variant is not present in population databases (gnomAD no frequency). This sequence change replaces arginine with cysteine at codon 188 of the USH1G protein (p.Arg188Cys). The arginine residue is moderately conserved and there is a large physicochemical difference between arginine and cysteine. ClinVar contains an entry for this variant (Variation ID: 1443413). Advanced modeling of protein sequence and biophysical properties (such as structural, functional, and spatial information, amino acid conservation, physicochemical variation, residue mobility, and thermodynamic stability) performed at Invitae indicates that this missense variant is not expected to disrupt USH1G protein function. In summary, the available evidence is currently insufficient to determine the role of this variant in disease. Therefore, it has been classified as a Variant of Uncertain Significance.

NM_173477.5(USH1G):c.562C>T (p.Arg188Cys)

Gene: USH1G (USH1 protein network component sans; minus strand). Cytogenetic location: 17q25.1.
Variant type: single nucleotide variant.
Coding change: c.562C>T on transcript NM_173477.5 (MANE Select); coding-DNA position 562, C replaced by T.
Protein change: p.Arg188Cys; replaces arginine 188 with cysteine.
Molecular consequence: missense variant.
Genome position (GRCh38, 1-based): chr17:74,920,274, G>A on the plus strand (C>T on the coding strand, the complement: USH1G is on the minus strand). VCF-style: chr17-74920274-G-A. GRCh37 (hg19) VCF-style: chr17-72916369-G-A.
Other names: c.253C>T, p.Arg85Cys (NM_001282489.3); short protein forms R85C, R188C.
Identifiers: ClinVar variation 1443413 (VCV001443413.6), dbSNP rs2144754513, ClinGen allele CA400964522.